The following is an entry in ClinVar:

NM_000179.3(MSH6):c.1732C>A (p.His578Asn)

Gene: MSH6 (mutS homolog 6; plus strand). Cytogenetic location: 2p16.3.
Variant type: single nucleotide variant.
Coding change: c.1732C>A on transcript NM_000179.3 (MANE Select); coding-DNA position 1732, C replaced by A.
Protein change: p.His578Asn; replaces histidine 578 with asparagine.
Molecular consequence: missense variant.
Genome position (GRCh38, 1-based): chr2:47,799,715, C>A. VCF-style: chr2-47799715-C-A. GRCh37 (hg19) VCF-style: chr2-48026854-C-A.
Other names: c.1342C>A, p.His448Asn (NM_001281492.2); c.826C>A, p.His276Asn (NM_001281493.2, NM_001281494.2, NM_001406811.1 and 6 more transcripts); c.1828C>A, p.His610Asn (NM_001406795.1, NM_001406802.1); c.1732C>A, p.His578Asn (NM_001406796.1, NM_001406798.1, NM_001406800.1 and 3 more transcripts); c.1435C>A, p.His479Asn (NM_001406797.1, NM_001406801.1, NM_001406805.1 and 10 more transcripts); c.1207C>A, p.His403Asn (NM_001406799.1, NM_001406806.1, NM_001406807.1); c.1654C>A, p.His552Asn (NM_001406804.1); c.1738C>A, p.His580Asn (NM_001406813.1); and 1 more; short protein forms H276N, H403N, H448N, H479N, H522N, H552N, H578N, H580N.
Identifiers: ClinVar variation 1719944 (VCV001719944.6), dbSNP rs768854566, ClinGen allele CA346748775.

ClinVar aggregate classification (germline): Uncertain significance (1 of 4 stars; one submission).

Conditions:
Hereditary nonpolyposis colorectal neoplasms. Identifiers: MedGen C0009405, MeSH D003123.

Submission:

Labcorp Genetics (formerly Invitae), Labcorp
Classification: Uncertain significance for Hereditary nonpolyposis colorectal neoplasms. Last evaluated: 2022-07-31. Review status: criteria provided, single submitter. Criteria: Invitae Variant Classification Sherloc (09022015). Collection method: clinical testing. Allele origin: germline.
Comment: In summary, the available evidence is currently insufficient to determine the role of this variant in disease. Therefore, it has been classified as a Variant of Uncertain Significance. Algorithms developed to predict the effect of missense changes on protein structure and function are either unavailable or do not agree on the potential impact of this missense change (SIFT: "Deleterious"; PolyPhen-2: "Probably Damaging"; Align-GVGD: "Class C15"). This variant has not been reported in the literature in individuals affected with MSH6-related conditions. This variant is not present in population databases (gnomAD no frequency). This sequence change replaces histidine, which is basic and polar, with asparagine, which is neutral and polar, at codon 578 of the MSH6 protein (p.His578Asn).